The following is an entry in ClinVar:

ClinVar aggregate classification (germline): Uncertain significance (1 of 4 stars; one submission).

Allele frequency attached by ClinVar (database versions not stated): gnomAD exomes below 0.00001; gnomAD 0.00001; TOPMed 0.00002.
gnomAD v4.1: 3 of 1,610,310 alleles (0.00019%); highest among the groups gnomAD compares: East Asian, 0.0022%; no homozygotes.

Submission:

Labcorp Genetics (formerly Invitae), Labcorp
Classification: Uncertain significance. Last evaluated: 2023-02-09. Review status: criteria provided, single submitter. Criteria: Invitae Variant Classification Sherloc (09022015). Collection method: clinical testing. Allele origin: germline.
Comment: In summary, the available evidence is currently insufficient to determine the role of this variant in disease. Therefore, it has been classified as a Variant of Uncertain Significance. Algorithms developed to predict the effect of missense changes on protein structure and function are either unavailable or do not agree on the potential impact of this missense change (SIFT: "Tolerated"; PolyPhen-2: "Probably Damaging"; Align-GVGD: "Class C0"). This variant has not been reported in the literature in individuals affected with CTR9-related conditions. This variant is not present in population databases (gnomAD no frequency). This sequence change replaces arginine, which is basic and polar, with glutamine, which is neutral and polar, at codon 830 of the CTR9 protein (p.Arg830Gln).

NM_014633.5(CTR9):c.2489G>A (p.Arg830Gln)

Gene: CTR9 (CTR9 component of Paf1/RNA polymerase II complex; plus strand). Cytogenetic location: 11p15.4.
Variant type: single nucleotide variant.
Coding change: c.2489G>A on transcript NM_014633.5 (MANE Select); coding-DNA position 2489, G replaced by A.
Protein change: p.Arg830Gln; replaces arginine 830 with glutamine.
Molecular consequence: missense variant.
Genome position (GRCh38, 1-based): chr11:10,772,564, G>A. VCF-style: chr11-10772564-G-A. GRCh37 (hg19) VCF-style: chr11-10794111-G-A.
Other names: c.2417G>A, p.Arg806Gln (NM_001346279.2); short protein forms R830Q, R806Q.
Identifiers: ClinVar variation 2884927 (VCV002884927.3), dbSNP rs1031469334, ClinGen allele CA217711711.